The following is an entry in ClinVar:

NM_032447.5(FBN3):c.1803dup (p.Leu602fs)

Gene: FBN3 (fibrillin 3; minus strand). Cytogenetic location: 19p13.2.
Variant type: Duplication.
Coding change: c.1803dup on transcript NM_032447.5 (MANE Select); coding-DNA position 1803, one base duplicated (G; older notation c.1803dupG).
Protein change: p.Leu602fs; shifts the reading frame from leucine 602.
Molecular consequence: frameshift variant.
Genome position (GRCh38, 1-based): chr19:8,131,741, C duplicated on the plus strand (G on the coding strand, the reverse complement: FBN3 is on the minus strand); the first of 7 consecutive C bases (chr19:8,131,741-8,131,747); duplicating any one gives the same sequence. VCF-style (leftmost placement, unchanged base first): chr19-8131740-G-GC. GRCh37 (hg19) VCF-style: chr19-8196624-G-GC.
Other names: c.1803dup, p.Leu602fs (NM_001321431.2); short protein forms L602fs.
Identifiers: ClinVar variation 4771825 (VCV004771825.1).

ClinVar aggregate classification (germline): Uncertain significance (1 of 4 stars; one submission).

Submission:

Labcorp Genetics (formerly Invitae), Labcorp
Classification: Uncertain significance. Last evaluated: 2025-07-09. Review status: criteria provided, single submitter. Criteria: Invitae Variant Classification Sherloc (09022015). Collection method: clinical testing. Allele origin: germline.
Comment: This sequence change creates a premature translational stop signal (p.Leu602Alafs*64) in the FBN3 gene. It is expected to result in an absent or disrupted protein product. However, the current clinical and genetic evidence is not sufficient to establish whether loss-of-function variants in FBN3 cause disease. The frequency data for this variant in the population databases is considered unreliable, as metrics indicate poor data quality at this position in the gnomAD database. This variant has not been reported in the literature in individuals affected with FBN3-related conditions. In summary, the available evidence is currently insufficient to determine the role of this variant in disease. Therefore, it has been classified as a Variant of Uncertain Significance.